The following is an entry in ClinVar:

NM_001014342.3(FLG2):c.2361G>T (p.Gly787=)

Genes: CCDST (cervical cancer associated DHX9 suppressive transcript; plus strand), FLG2 (filaggrin 2; minus strand). Cytogenetic location: 1q21.3.
Variant type: single nucleotide variant.
Coding change: c.2361G>T on transcript NM_001014342.3 (MANE Select); coding-DNA position 2361, G replaced by T.
Protein change: p.Gly787=; no amino-acid change (glycine 787 retained).
Molecular consequence: synonymous variant.
Genome position (GRCh38, 1-based): chr1:152,355,425, C>A on the plus strand (G>T on the coding strand, the complement: FLG2 is on the minus strand). VCF-style: chr1-152355425-C-A. GRCh37 (hg19) VCF-style: chr1-152327901-C-A.
Identifiers: ClinVar variation 1711224 (VCV001711224.30), dbSNP rs1293137119, ClinGen allele CA420935658.

ClinVar aggregate classification (germline): Likely benign (1 of 4 stars; one submission).

Submission:

CeGaT Center for Human Genetics Tuebingen
Classification: Likely benign. Last evaluated: 2022-08-01. Review status: criteria provided, single submitter. Criteria: CeGaT Center For Human Genetics Tuebingen Variant Classification Criteria Version 2. Collection method: clinical testing. Allele origin: germline. Affected: yes. Observed: 1 variant allele.
Comment: FLG2: PM2:Supporting, BP4, BP7